The following is an entry in ClinVar:

NM_001375567.1(FOCAD):c.1096G>A (p.Asp366Asn)

Gene: FOCAD (focadhesin; plus strand). Cytogenetic location: 9p21.3.
Variant type: single nucleotide variant.
Coding change: c.1096G>A on transcript NM_001375567.1 (MANE Select); coding-DNA position 1096, G replaced by A.
Protein change: p.Asp366Asn; replaces aspartic acid 366 with asparagine.
Molecular consequence: missense variant.
Genome position (GRCh38, 1-based): chr9:20,781,828, G>A. VCF-style: chr9-20781828-G-A. GRCh37 (hg19) VCF-style: chr9-20781827-G-A.
Other names: c.1096G>A (NM_017794.3); c.1096G>A, p.Asp366Asn (NM_001375568.1, NM_017794.5); c.991G>A, p.Asp331Asn (NM_001375570.1); short protein forms D331N, D366N.
Identifiers: ClinVar variation 787068 (VCV000787068.11), dbSNP rs144110783, ClinGen allele CA5006607.

ClinVar aggregate classification (germline): Conflicting classifications of pathogenicity. Review status: criteria provided, conflicting classifications (1 of 4 stars). 4 submissions from 4 submitters: Uncertain significance (1); Likely benign (2). 1 of the submissions does not count toward it. Last evaluated 2026-01-05.

Conditions:
Inborn genetic diseases. Identifiers: MedGen C0950123, MeSH D030342.
FOCAD-related disorder. Also called: FOCAD-related condition.

Allele frequency attached by ClinVar (database versions not stated): gnomAD exomes 0.00015; ExAC 0.00041; 1000 Genomes Project 30x 0.00172; 1000 Genomes Project 0.00180; ESP Exome Variant Server 0.00192; gnomAD 0.00207 and 0.00218; TOPMed 0.00239.
gnomAD v4.1: 554 of 1,614,150 alleles (0.034%); highest among the groups gnomAD compares: African/African-American, 0.66%; 1 homozygote.

Submissions (4):

Labcorp Genetics (formerly Invitae), Labcorp
Classification: Likely benign. Last evaluated: 2026-01-05. Review status: criteria provided, single submitter. Criteria: Invitae Variant Classification Sherloc (09022015). Collection method: clinical testing. Allele origin: germline.

Ambry Genetics
Classification: Uncertain significance for Inborn genetic diseases. Last evaluated: 2025-10-07. Review status: criteria provided, single submitter. Criteria: Ambry Variant Classification Scheme 2023. Collection method: clinical testing. Allele origin: germline.

Breakthrough Genomics
Classification: Likely benign. Review status: criteria provided, single submitter. Criteria: ACMG Guidelines, 2015. Collection method: not provided. Allele origin: germline. Inheritance: Autosomal recessive inheritance. Affected: yes.

PreventionGenetics, part of Exact Sciences
Classification: Likely benign for FOCAD-related condition. Last evaluated: 2019-12-05. Review status: no assertion criteria provided. Collection method: clinical testing. Allele origin: germline. Not counted in ClinVar's aggregate classification.
Comment: This variant is classified as likely benign based on ACMG/AMP sequence variant interpretation guidelines (Richards et al. 2015 PMID: 25741868, with internal and published modifications).